The following is an entry in ClinVar:

ClinVar aggregate classification (germline): Uncertain significance (1 of 4 stars; one submission).

Conditions:
Joubert syndrome 21 (JBTS21). Identifiers: MedGen C3810212, MONDO:0014288, OMIM 615636.

Submission:

Labcorp Genetics (formerly Invitae), Labcorp
Classification: Uncertain significance for Joubert syndrome 21. Last evaluated: 2022-05-12. Review status: criteria provided, single submitter. Criteria: Invitae Variant Classification Sherloc (09022015). Collection method: clinical testing. Allele origin: germline.
Comment: This variant has not been reported in the literature in individuals affected with CSPP1-related conditions. Algorithms developed to predict the effect of missense changes on protein structure and function are either unavailable or do not agree on the potential impact of this missense change (SIFT: "Tolerated"; PolyPhen-2: "Possibly Damaging"; Align-GVGD: "Class C0"). This sequence change replaces proline, which is neutral and non-polar, with serine, which is neutral and polar, at codon 589 of the CSPP1 protein (p.Pro589Ser). This variant is not present in population databases (gnomAD no frequency). In summary, the available evidence is currently insufficient to determine the role of this variant in disease. Therefore, it has been classified as a Variant of Uncertain Significance.

NM_001382391.1(CSPP1):c.1780C>T (p.Pro594Ser)

Gene: CSPP1 (centrosome and spindle pole associated protein 1; plus strand). Cytogenetic location: 8q13.2.
Variant type: single nucleotide variant.
Coding change: c.1780C>T on transcript NM_001382391.1 (MANE Select); coding-DNA position 1780, C replaced by T.
Protein change: p.Pro594Ser; replaces proline 594 with serine.
Molecular consequence: missense variant.
Genome position (GRCh38, 1-based): chr8:67,132,033, C>T. VCF-style: chr8-67132033-C-T. GRCh37 (hg19) VCF-style: chr8-68044268-C-T.
Other names: c.883C>T, p.Pro295Ser (NM_001291339.2); c.1699C>T, p.Pro567Ser (NM_001363131.2); c.1738C>T, p.Pro580Ser (NM_001363132.2); c.1657C>T, p.Pro553Ser (NM_001363133.2); c.1846C>T, p.Pro616Ser (NM_001364869.1); c.1666C>T, p.Pro556Ser (NM_001364870.1); c.1765C>T, p.Pro589Ser (NM_024790.7); short protein forms P556S, P580S, P295S, P567S, P594S, P616S, P553S, P589S.
Identifiers: ClinVar variation 1941770 (VCV001941770.5), dbSNP rs1821335560, ClinGen allele CA371203693.
Genomic context (GRCh38, chr8:67,132,033, plus strand): 5'-CTGAAGATTACAAGTGATCAAGTGATAAATTCAGGATTGATTTTTGAAGATAAACCGAAA[C>T]CTTCCAAACAGTCACTTCAGTCTTACCAAGAGGCTTTGCAGCAGCAGGTATTGATTCATT-3'
Protein context (NP_001369320.1, residues 584-604): SGLIFEDKPK[Pro594Ser]SKQSLQSYQE